The following is an entry in ClinVar:

ClinVar aggregate classification (germline): Benign. Review status: criteria provided, multiple submitters, no conflicts (2 of 4 stars). 3 submissions from 3 submitters: Benign (2). 1 of the submissions does not count toward it. Last evaluated 2021-07-15.

Conditions:
Intellectual developmental disorder with neuropsychiatric features. Identifiers: MedGen C4479636, MONDO:0044322, OMIM 617532.
SLC45A1-related disorder. Also called: SLC45A1-related condition.

Allele frequency attached by ClinVar (database versions not stated): TOPMed 0.12538; gnomAD 0.12841 and 0.13316; 1000 Genomes Project 30x 0.13242; 1000 Genomes Project 0.13638; ESP Exome Variant Server 0.13732.
gnomAD v4.1: 262,989 of 1,613,352 alleles (16%); highest among the groups gnomAD compares: South Asian, 29%; 23,720 homozygotes.

Submissions (3):

Genome-Nilou Lab
Classification: Benign for Intellectual developmental disorder with neuropsychiatric features. Last evaluated: 2021-07-15. Review status: criteria provided, single submitter. Criteria: ACMG Guidelines, 2015. Collection method: clinical testing. Allele origin: germline. Affected: no.

Breakthrough Genomics
Classification: Benign. Review status: criteria provided, single submitter. Criteria: ACMG Guidelines, 2015. Collection method: not provided. Allele origin: germline. Inheritance: Autosomal recessive inheritance. Affected: yes.

PreventionGenetics, part of Exact Sciences
Classification: Benign for SLC45A1-related condition. Last evaluated: 2019-10-17. Review status: no assertion criteria provided. Collection method: clinical testing. Allele origin: germline. Not counted in ClinVar's aggregate classification.
Comment: This variant is classified as benign based on ACMG/AMP sequence variant interpretation guidelines (Richards et al. 2015 PMID: 25741868, with internal and published modifications).

NM_001080397.3(SLC45A1):c.831G>C (p.Leu277=)

Gene: SLC45A1 (solute carrier family 45 member 1; plus strand). Cytogenetic location: 1p36.23.
Variant type: single nucleotide variant.
Coding change: c.831G>C on transcript NM_001080397.3 (MANE Select); coding-DNA position 831, G replaced by C.
Protein change: p.Leu277=; no amino-acid change (leucine 277 retained).
Molecular consequence: synonymous variant.
Genome position (GRCh38, 1-based): chr1:8,330,324, G>C. VCF-style: chr1-8330324-G-C. GRCh37 (hg19) VCF-style: chr1-8390384-G-C.
Other names: c.831G>C, p.Leu277= (NM_001379614.1); c.738G>C, p.Leu246= (NM_001379615.1, NM_001379616.1); c.225G>C, p.Leu75= (NM_001379617.1, NM_001379618.1).
Identifiers: ClinVar variation 1333146 (VCV001333146.5), dbSNP rs56125713, ClinGen allele CA570229.